The following is an entry in ClinVar:

NM_198253.3(TERT):c.1936C>T (p.Arg646Cys)

Gene: TERT (telomerase reverse transcriptase; minus strand). Cytogenetic location: 5p15.33.
Variant type: single nucleotide variant.
Coding change: c.1936C>T on transcript NM_198253.3 (MANE Select); coding-DNA position 1936, C replaced by T.
Protein change: p.Arg646Cys; replaces arginine 646 with cysteine.
Molecular consequence: missense variant. On other transcripts: non-coding transcript variant (2).
Genome position (GRCh38, 1-based): chr5:1,280,172, G>A on the plus strand (C>T on the coding strand, the complement: TERT is on the minus strand). VCF-style: chr5-1280172-G-A. GRCh37 (hg19) VCF-style: chr5-1280287-G-A.
Other names: c.1936C>T, p.Arg646Cys (NM_001193376.3); short protein forms R646C.
Identifiers: ClinVar variation 242220 (VCV000242220.23), dbSNP rs147521473, ClinGen allele CA3184723.
Genomic context (GRCh38, chr5:1,280,172, plus strand): 5'-AAACGCACTTCTGTTTAAAAAGGAAGTTAAACCAAAGCACAGCCACCCTCTTTTCTCTGC[G>A]GAACGTTCTGGCTCCCACGACGTAGTCCATGTTCACAATCGGCCGCAGCCCGTCAGGCTT-3'
Protein context (NP_937983.2, residues 636-656): MDYVVGARTF[Arg646Cys]REKRAERLTS

ClinVar aggregate classification (germline): Conflicting classifications of pathogenicity. Review status: criteria provided, conflicting classifications (1 of 4 stars). 8 submissions from 8 submitters: Uncertain significance (6); Likely benign (1). 1 of the submissions does not count toward it. Last evaluated 2026-01-20.

Conditions:
Dyskeratosis congenita, autosomal dominant 2. Identifiers: MedGen C3151443, MONDO:0013521, OMIM 613989.
Idiopathic Pulmonary Fibrosis. Also called: Idiopathic fibrosing alveolitis, chronic form; idiopathic fibrosing alveolitis. Identifiers: Orphanet 2032, MedGen C1800706, MeSH D054990, MONDO:0800504.
TERT-related disorder. Also called: TERT-related condition; TERT-related disorders.
Dyskeratosis congenita. Identifiers: Orphanet 1775, MedGen C0265965, MONDO:0015780.

Allele frequency attached by ClinVar (database versions not stated): ExAC 0.00004; gnomAD exomes 0.00004 and 0.00005; gnomAD 0.00006; TOPMed 0.00007; ESP Exome Variant Server 0.00015.
gnomAD v4.1: 83 of 1,614,074 alleles (0.0051%); highest among the groups gnomAD compares: East Asian, 0.0089%; no homozygotes.

Submissions (8):

Labcorp Genetics (formerly Invitae), Labcorp
Classification: Likely benign for Dyskeratosis congenita, autosomal dominant 2; Idiopathic Pulmonary Fibrosis. Last evaluated: 2026-01-20. Review status: criteria provided, single submitter. Criteria: Invitae Variant Classification Sherloc (09022015). Collection method: clinical testing. Allele origin: germline.

GeneDx
Classification: Uncertain significance. Last evaluated: 2025-08-15. Review status: criteria provided, single submitter. Criteria: GeneDx Variant Classification Process June 2021. Collection method: clinical testing. Allele origin: germline. Affected: yes.
Comment: In silico analysis suggests that this missense variant does not alter protein structure/function; Identified as a presumed germline variant in an individual with myeloid neoplasm and observed in an individual with cirrhosis (PMID: 30964210, 35106810); This variant is associated with the following publications: (PMID: 35106810, 30964210)

Ambry Genetics
Classification: Uncertain significance for Dyskeratosis congenita. Last evaluated: 2025-01-11. Review status: criteria provided, single submitter. Criteria: Ambry Variant Classification Scheme 2023. Collection method: clinical testing. Allele origin: germline.
Comment: The p.R646C variant (also known as c.1936C>T), located in coding exon 4 of the TERT gene, results from a C to T substitution at nucleotide position 1936. The arginine at codon 646 is replaced by cysteine, an amino acid with highly dissimilar properties. This amino acid position is not well conserved in available vertebrate species. In addition, this alteration is predicted to be tolerated by in silico analysis. Based on the available evidence, the clinical significance of this variant remains unclear.

St. Jude Molecular Pathology, St. Jude Children's Research Hospital
Classification: Uncertain significance for Dyskeratosis congenita, autosomal dominant 2. Last evaluated: 2024-08-23. Review status: criteria provided, single submitter. Criteria: St. Jude Assertion Criteria 2020. Collection method: clinical testing. Allele origin: germline.
Comment: The TERT c.1936C>T (p.Arg646Cys) missense change has a maximum subpopulation frequency of 0.0077% in gnomAD v2.1.1. The in silico tool REVEL predicts a benign effect on protein function, but to our knowledge this prediction has not been confirmed by functional studies. This variant occurs in a gene where missense variants are more likely to be damaging based on methods described by Lek et al. (PMID: 27535533). This variant has been reported in an individual with Hodgkin lymphoma (PMID: 35106810). To our knowledge, this variant has not been reported in individuals with clinical features of dyskeratosis congenita. In summary, the evidence currently available is insufficient to determine the clinical significance of this variant. It has therefore been classified as of uncertain significance.

Baylor Genetics
Classification: Uncertain significance for Dyskeratosis congenita, autosomal dominant 2. Last evaluated: 2023-10-18. Review status: criteria provided, single submitter. Criteria: ACMG Guidelines, 2015. Collection method: clinical testing. Allele origin: unknown.

Sema4
Classification: Uncertain significance for Dyskeratosis congenita. Last evaluated: 2021-07-02. Review status: criteria provided, single submitter. Criteria: Sema4 Curation Guidelines. Collection method: curation. Allele origin: germline.
Comment: To the best of our knowledge, the TERT c.1936C>T (p.R646C) variant has not been reported in individuals with TERT-related disease. It was observed in 10/129052 chromosomes of the Non-Finnish European subpopulation in the large and broad cohorts of the Genome Aggregation Database (PMID: 32461654). The variant has been reported in ClinVar (Variation ID 242220). In silico tools suggest the impact of the variant on protein function is inconclusive though these predictions have not been confirmed by functional studies. The evidence is insufficient to meet ACMG/AMP criteria for classifying the variant as benign or pathogenic. Thus, the clinical significance of this variant is currently uncertain.

Genetic Services Laboratory, University of Chicago
Classification: Uncertain significance. Last evaluated: 2021-06-16. Review status: criteria provided, single submitter. Criteria: ACMG Guidelines, 2015. Collection method: clinical testing. Allele origin: germline. Affected: no.
Comment: DNA sequence analysis of the TERT gene demonstrated a sequence change, c.1936C>T, in exon 4 that results in an amino acid change, p.Arg646Cys. This sequence change has been described in gnomAD with a frequency of 0.0077% in the Non-Finnish European sub-population (dbSNP rs147521473). The p.Arg646Cys change affects a poorly conserved amino acid residue located in a domain of the TERT protein that is \ known to be functional. The p.Arg646Cys substitution appears to be tolerated using several in-silico pathogenicity prediction tools (SIFT, PolyPhen2, Align GVGD, REVEL). This sequence change does not appear to have been previously described in patients with TERT-related disorders. Due to the lack of sufficient evidences, the clinical significance of the p.Arg646Cys change remains unknown at this time.

PreventionGenetics, part of Exact Sciences
Classification: Uncertain significance for TERT-related condition. Last evaluated: 2024-04-26. Review status: no assertion criteria provided. Collection method: clinical testing. Allele origin: germline. Not counted in ClinVar's aggregate classification.
Comment: The TERT c.1936C>T variant is predicted to result in the amino acid substitution p.Arg646Cys. This variant has been reported in an individual with cirrhosis and in an individual with therapy-related myeloid neoplasm (Chiu et al. 2019. PubMed ID: 30964210; Gurnari et al. 2022. PubMed ID: 35106810). This variant is reported in 0.0077% of alleles in individuals of European (non-Finnish) descent in gnomAD. At this time, the clinical significance of this variant is uncertain due to the absence of conclusive functional and genetic evidence.